The following is an entry in ClinVar:

NM_000038.6(APC):c.968G>A (p.Gly323Asp)

Gene: APC (APC regulator of Wnt signaling pathway; plus strand). Cytogenetic location: 5q22.2.
Variant type: single nucleotide variant.
Coding change: c.968G>A on transcript NM_000038.6 (MANE Select); coding-DNA position 968, G replaced by A.
Protein change: p.Gly323Asp; replaces glycine 323 with aspartic acid.
Molecular consequence: missense variant. On other transcripts: non-coding transcript variant (2), intron variant (15).
Genome position (GRCh38, 1-based): chr5:112,819,000, G>A. VCF-style: chr5-112819000-G-A. GRCh37 (hg19) VCF-style: chr5-112154697-G-A.
Other names: c.968G>A, p.Gly323Asp (NM_001127510.3, NM_001354895.2, NM_001354896.2 and 4 more transcripts); c.914G>A, p.Gly305Asp (NM_001127511.3); c.998G>A, p.Gly333Asp (NM_001354897.2, NM_001407446.1); c.893G>A, p.Gly298Asp (NM_001354898.2, NM_001407451.1); c.884G>A, p.Gly295Asp (NM_001354899.2, NM_001407452.1); c.791G>A, p.Gly264Asp (NM_001354900.2, NM_001354901.2, NM_001407453.1); c.119G>A, p.Gly40Asp (NM_001354906.2, NM_001407470.1); c.85-269G>A (NM_001407472.1, NM_001407471.1); and 5 more; short protein forms G264D, G295D, G298D, G323D, G333D, G40D, G305D.
Identifiers: ClinVar variation 3635402 (VCV003635402.2).

ClinVar aggregate classification (germline): Uncertain significance (1 of 4 stars; one submission).

Conditions:
Familial adenomatous polyposis 1 (FAP1). Also called: FAMILIAL ADENOMATOUS POLYPOSIS 1, ATTENUATED; POLYPOSIS, ADENOMATOUS INTESTINAL. Identifiers: MedGen C2713442, MONDO:0021056, OMIM 175100. Disease mechanism: loss of function.

Submission:

Labcorp Genetics (formerly Invitae), Labcorp
Classification: Uncertain significance for Familial adenomatous polyposis 1. Last evaluated: 2024-04-29. Review status: criteria provided, single submitter. Criteria: Invitae Variant Classification Sherloc (09022015). Collection method: clinical testing. Allele origin: germline.
Comment: This sequence change replaces glycine, which is neutral and non-polar, with aspartic acid, which is acidic and polar, at codon 323 of the APC protein (p.Gly323Asp). This variant is not present in population databases (gnomAD no frequency). This variant has not been reported in the literature in individuals affected with APC-related conditions. Advanced modeling of protein sequence and biophysical properties (such as structural, functional, and spatial information, amino acid conservation, physicochemical variation, residue mobility, and thermodynamic stability) performed at Invitae indicates that this missense variant is not expected to disrupt APC protein function with a negative predictive value of 95%. In summary, the available evidence is currently insufficient to determine the role of this variant in disease. Therefore, it has been classified as a Variant of Uncertain Significance.